The following is an entry in ClinVar:

ClinVar aggregate classification (germline): Likely benign. Review status: criteria provided, multiple submitters, no conflicts (2 of 4 stars). 2 submissions from 2 submitters: Likely benign (2). Last evaluated 2025-04-01.

gnomAD v4.1: 178 of 1,613,634 alleles (0.011%); highest among the groups gnomAD compares: African/African-American, 0.19%; no homozygotes.

Submissions (2):

CeGaT Center for Human Genetics Tuebingen
Classification: Likely benign. Last evaluated: 2025-04-01. Review status: criteria provided, single submitter. Criteria: CeGaT Center For Human Genetics Tuebingen Variant Classification Criteria Version 2. Collection method: clinical testing. Allele origin: germline. Affected: yes. Observed: 1 variant allele.
Comment: HYDIN: BP4, BP7

Blueprint Genetics
Classification: Likely benign. Last evaluated: 2024-07-01. Review status: criteria provided, single submitter. Criteria: ACMG Guidelines, 2015. Collection method: clinical testing. Allele origin: germline.

NM_001270974.2(HYDIN):c.3759C>T (p.Pro1253=)

Gene: HYDIN (HYDIN axonemal central pair apparatus protein; minus strand). Cytogenetic location: 16q22.2.
Variant type: single nucleotide variant.
Coding change: c.3759C>T on transcript NM_001270974.2 (MANE Select); coding-DNA position 3759, C replaced by T.
Protein change: p.Pro1253=; no amino-acid change (proline 1253 retained).
Molecular consequence: synonymous variant.
Genome position (GRCh38, 1-based): chr16:70,992,096, G>A on the plus strand (C>T on the coding strand, the complement: HYDIN is on the minus strand). VCF-style: chr16-70992096-G-A. GRCh37 (hg19) VCF-style: chr16-71025999-G-A.
Identifiers: ClinVar variation 3904957 (VCV003904957.11).